The following is an entry in ClinVar:

ClinVar aggregate classification (germline): Likely benign (1 of 4 stars; one submission).

Conditions:
RPGRIP1L-related disorder. Also called: RPGRIP1L-related disorders; RPGRIP1L-related condition. Identifiers: MedGen CN239416.

gnomAD v4.1: 5 of 1,603,502 alleles (0.00031%); highest among the groups gnomAD compares: African/African-American, 0.0067%; no homozygotes.

Submission:

PreventionGenetics, part of Exact Sciences
Classification: Likely benign for RPGRIP1L-related condition. Last evaluated: 2024-12-05. Review status: criteria provided, single submitter. Criteria: ACMG Guidelines, 2015. Collection method: clinical testing. Allele origin: germline.
Comment: This variant is classified as likely benign based on ACMG/AMP sequence variant interpretation guidelines (Richards et al. 2015 PMID: 25741868, with internal and published modifications).

NM_015272.5(RPGRIP1L):c.543A>G (p.Gln181=)

Gene: RPGRIP1L (RPGRIP1 like; minus strand). Cytogenetic location: 16q12.2.
Variant type: single nucleotide variant.
Coding change: c.543A>G on transcript NM_015272.5 (MANE Select); coding-DNA position 543, A replaced by G.
Protein change: p.Gln181=; no amino-acid change (glutamine 181 retained).
Molecular consequence: synonymous variant.
Genome position (GRCh38, 1-based): chr16:53,687,952, T>C on the plus strand (A>G on the coding strand, the complement: RPGRIP1L is on the minus strand). VCF-style: chr16-53687952-T-C. GRCh37 (hg19) VCF-style: chr16-53721864-T-C.
Other names: c.543A>G, p.Gln181= (NM_001127897.4, NM_001308334.3, NM_001330538.2).
Identifiers: ClinVar variation 4984290 (VCV004984290.1).
Genomic context (GRCh38, chr16:53,687,952, plus strand): 5'-AAGTAAACTGTTGCCATATTTTGTAAACATGGGATGTGGAGTTTCTGCTACATCTGCATC[T>C]TGGAATTTTATACCTAAAAACAAAGTAATAAAATATGATTACAGAATTGAAGTTAGAAAA-3'
Protein context (NP_056087.2, residues 171-191): QECPRKGIKF[Gln181=]DADVAETPHP